The following is an entry in ClinVar:

ClinVar aggregate classification (germline): Likely benign (1 of 4 stars; one submission).

Submission:

CeGaT Center for Human Genetics Tuebingen
Classification: Likely benign. Last evaluated: 2025-08-01. Review status: criteria provided, single submitter. Criteria: CeGaT Center For Human Genetics Tuebingen Variant Classification Criteria Version 2. Collection method: clinical testing. Allele origin: germline. Affected: yes. Observed: 1 variant allele.
Comment: DIS3L2: PM2:Supporting, BP4, BP7

NM_152383.5(DIS3L2):c.198A>G (p.Gly66=)

Gene: DIS3L2 (DIS3 like 3'-5' exoribonuclease 2; plus strand). Cytogenetic location: 2q37.1.
Variant type: single nucleotide variant.
Coding change: c.198A>G on transcript NM_152383.5 (MANE Select); coding-DNA position 198, A replaced by G.
Protein change: p.Gly66=; no amino-acid change (glycine 66 retained).
Molecular consequence: synonymous variant. On other transcripts: non-coding transcript variant (2).
Genome position (GRCh38, 1-based): chr2:232,015,659, A>G. VCF-style: chr2-232015659-A-G. GRCh37 (hg19) VCF-style: chr2-232880369-A-G.
Other names: c.198A>G, p.Gly66= (NM_001257281.2, NM_001257282.2).
Identifiers: ClinVar variation 4085700 (VCV004085700.8).
Genomic context (GRCh38, chr2:232,015,659, plus strand): 5'-AAAGAGCATATTTGAAACTTACATGTCCAAGGAGGATGTTTCAGAAGGCTTGAAGAGAGG[A>G]ACACTCATCCAGGTGCTTAAAATCTACTGGAAGGCTATTCTCTGAATATGTAGAATCCAA-3'
Protein context (NP_689596.4, residues 56-76): KEDVSEGLKR[Gly66=]TLIQGVLRIN